The following is an entry in ClinVar:

NM_005477.3(HCN4):c.-4C>T

Gene: HCN4 (hyperpolarization activated cyclic nucleotide gated potassium channel 4; minus strand). Cytogenetic location: 15q24.1.
Variant type: single nucleotide variant.
Coding change: c.-4C>T on transcript NM_005477.3 (MANE Select); 4 bases upstream of the start codon, C replaced by T.
Molecular consequence: 5 prime UTR variant.
Genome position (GRCh38, 1-based): chr15:73,368,274, G>A on the plus strand (C>T on the coding strand, the complement: HCN4 is on the minus strand). VCF-style: chr15-73368274-G-A. GRCh37 (hg19) VCF-style: chr15-73660615-G-A.
Identifiers: ClinVar variation 2560730 (VCV002560730.2), dbSNP rs924437638, ClinGen allele CA272700768.
Genomic context (GRCh38, chr15:73,368,274, plus strand): 5'-CACCTGCTGCGGGAGGCTGTAGAGCCGCTTGCGCATGGACGGCGGCAGCTTGTCCATGGC[G>A]CCAGGGGCCGGGGTCGGACCGGGCCGGGGGCAGGAGCGCGGCGCCGCGGACGGGCTCCAG-3'

ClinVar aggregate classification (germline): Uncertain significance (1 of 4 stars; one submission).

Conditions:
Cardiovascular phenotype. Identifiers: MedGen CN230736.

Allele frequency attached by ClinVar (database versions not stated): TOPMed below 0.00001; gnomAD 0.00001.

Submission:

Ambry Genetics
Classification: Uncertain significance for Cardiovascular phenotype. Last evaluated: 2023-05-09. Review status: criteria provided, single submitter. Criteria: Ambry Variant Classification Scheme 2023. Collection method: clinical testing. Allele origin: germline.
Comment: The c.-4C>T variant is located in the 5' untranslated region (5&rsquo;UTR) of the HCN4 gene. This variant results from a C to T substitution 4 nucleotides upstream from the first translated codon. This nucleotide position is not well conserved in available vertebrate species. Since supporting evidence is limited at this time, the clinical significance of this alteration remains unclear.